The following is an entry in ClinVar:

NM_000117.3(EMD):c.218T>C (p.Met73Thr)

Gene: EMD (emerin; plus strand). Cytogenetic location: Xq28.
Variant type: single nucleotide variant.
Coding change: c.218T>C on transcript NM_000117.3 (MANE Select); coding-DNA position 218, T replaced by C.
Protein change: p.Met73Thr; replaces methionine 73 with threonine.
Molecular consequence: missense variant.
Genome position (GRCh38, 1-based): chrX:154,379,972, T>C. VCF-style: chrX-154379972-T-C. GRCh37 (hg19) VCF-style: chrX-153608332-T-C.
Other names: short protein forms M73T.
Identifiers: ClinVar variation 1398569 (VCV001398569.8), dbSNP rs2148128327, ClinGen allele CA415257650.

ClinVar aggregate classification (germline): Uncertain significance (1 of 4 stars; one submission).

Conditions:
X-linked Emery-Dreifuss muscular dystrophy. Also called: Muscular dystrophy, tardive Emery-Dreifuss type, with contractures. Identifiers: Orphanet 261, Orphanet 98863, MedGen C0751337, MONDO:0010680.

Submission:

Labcorp Genetics (formerly Invitae), Labcorp
Classification: Uncertain significance for X-linked Emery-Dreifuss muscular dystrophy. Last evaluated: 2024-01-30. Review status: criteria provided, single submitter. Criteria: Invitae Variant Classification Sherloc (09022015). Collection method: clinical testing. Allele origin: germline.
Comment: This sequence change replaces methionine, which is neutral and non-polar, with threonine, which is neutral and polar, at codon 73 of the EMD protein (p.Met73Thr). This variant is not present in population databases (gnomAD no frequency). This variant has not been reported in the literature in individuals affected with EMD-related conditions. ClinVar contains an entry for this variant (Variation ID: 1398569). Advanced modeling of protein sequence and biophysical properties (such as structural, functional, and spatial information, amino acid conservation, physicochemical variation, residue mobility, and thermodynamic stability) performed at Invitae indicates that this missense variant is not expected to disrupt EMD protein function with a negative predictive value of 80%. In summary, the available evidence is currently insufficient to determine the role of this variant in disease. Therefore, it has been classified as a Variant of Uncertain Significance.